The following is an entry in ClinVar:

NM_003632.3(CNTNAP1):c.3138G>A (p.Pro1046=)

Gene: CNTNAP1 (contactin associated protein 1; plus strand). Cytogenetic location: 17q21.2.
Variant type: single nucleotide variant.
Coding change: c.3138G>A on transcript NM_003632.3 (MANE Select); coding-DNA position 3138, G replaced by A.
Protein change: p.Pro1046=; no amino-acid change (proline 1046 retained).
Molecular consequence: synonymous variant.
Genome position (GRCh38, 1-based): chr17:42,695,666, G>A. VCF-style: chr17-42695666-G-A. GRCh37 (hg19) VCF-style: chr17-40847684-G-A.
Other names: c.3138G>A (NM_003632.2).
Identifiers: ClinVar variation 1595076 (VCV001595076.10), dbSNP rs141254892, ClinGen allele CA8582246.
Genomic context (GRCh38, chr17:42,695,666, plus strand): 5'-CATGCTGAGCCGGCCAGTGCCAGGCTATGAGCCTGGCTACATCCCGGGCTATGATACTCC[G>A]GGCTATGTGCCTGGCTACCATGGCCCCGGGTACCGCCTGCCCGACTACCCCCGGCCTGGT-3'
Protein context (NP_003623.1, residues 1036-1056): EPGYIPGYDT[Pro1046=]GYVPGYHGPG

ClinVar aggregate classification (germline): Likely benign. Review status: criteria provided, single submitter (1 of 4 stars). 2 submissions from 2 submitters: Likely benign (1). 1 of the submissions does not count toward it. Last evaluated 2025-04-08.

Conditions:
CNTNAP1-related disorder. Also called: CNTNAP1-related disease; CNTNAP1-related condition.

Allele frequency attached by ClinVar (database versions not stated): gnomAD 0.00002 and 0.00006; TOPMed 0.00004; ESP Exome Variant Server 0.00008; gnomAD exomes 0.00012 and 0.00021; ExAC 0.00022.
gnomAD v4.1: 199 of 1,614,128 alleles (0.012%); highest among the groups gnomAD compares: South Asian, 0.14%; no homozygotes.

Submissions (2):

Labcorp Genetics (formerly Invitae), Labcorp
Classification: Likely benign. Last evaluated: 2025-04-08. Review status: criteria provided, single submitter. Criteria: Invitae Variant Classification Sherloc (09022015). Collection method: clinical testing. Allele origin: germline.

PreventionGenetics, part of Exact Sciences
Classification: Likely benign for CNTNAP1-related condition. Last evaluated: 2022-11-01. Review status: no assertion criteria provided. Collection method: clinical testing. Allele origin: germline. Not counted in ClinVar's aggregate classification.
Comment: This variant is classified as likely benign based on ACMG/AMP sequence variant interpretation guidelines (Richards et al. 2015 PMID: 25741868, with internal and published modifications).